The following is an entry in ClinVar:

ClinVar aggregate classification (germline): Uncertain significance (1 of 4 stars; one submission).

Conditions:
Inborn genetic diseases. Identifiers: MedGen C0950123, MeSH D030342.

gnomAD v4.1: 1 of 1,605,370 alleles (0.000062%); highest among the groups gnomAD compares: Non-Finnish European, 0.000085%; no homozygotes.

Submission:

Ambry Genetics
Classification: Uncertain significance for Inborn genetic diseases. Last evaluated: 2025-12-04. Review status: criteria provided, single submitter. Criteria: Ambry Variant Classification Scheme 2023. Collection method: clinical testing. Allele origin: germline.
Comment: The p.A1667V variant (also known as c.5000C>T) is located in coding exon 34 of the ANKRD26 gene. The alanine at codon 1667 is replaced by valine, an amino acid with similar properties. This change occurs in the first base pair of coding exon 34. This amino acid position is conserved. In addition, this alteration is predicted to be tolerated by in silico analysis. Based on the available evidence, the clinical significance of this variant remains unclear.

NM_014915.3(ANKRD26):c.5000C>T (p.Ala1667Val)

Gene: ANKRD26 (ankyrin repeat domain 26; minus strand). Cytogenetic location: 10p12.1.
Variant type: single nucleotide variant.
Coding change: c.5000C>T on transcript NM_014915.3 (MANE Select); coding-DNA position 5000, C replaced by T.
Protein change: p.Ala1667Val; replaces alanine 1667 with valine.
Molecular consequence: missense variant.
Genome position (GRCh38, 1-based): chr10:27,005,723, G>A on the plus strand (C>T on the coding strand, the complement: ANKRD26 is on the minus strand). VCF-style: chr10-27005723-G-A. GRCh37 (hg19) VCF-style: chr10-27294652-G-A.
Other names: c.4997C>T, p.Ala1666Val (NM_001256053.2); short protein forms A1667V, A1666V.
Identifiers: ClinVar variation 4580310 (VCV004580310.1).